The following is an entry in ClinVar:

ClinVar aggregate classification (germline): Pathogenic (1 of 4 stars; one submission).

Conditions:
TTN-related disorder. Also called: TTN-related condition; TTN-related disease; TTN-related disorders.

Submission:

Rady Children's Institute for Genomic Medicine, Rady Children's Hospital San Diego
Classification: Pathogenic for TTN-Related Disorders. Review status: criteria provided, single submitter. Criteria: ACMG Guidelines, 2015. Collection method: clinical testing. Allele origin: germline. Affected: yes.
Comment: This frameshifting variant in exon 275 of 363 introduces a premature stop codon and is therefore predicted to result in loss of normal protein function through either protein truncation or nonsense-mediated mRNA decay (NMD). This variant has not been previously reported or functionally characterized in the literature to our knowledge. This variant occurs in the A-band of the titin protein, which is enriched for pathogenic truncating variants associated with dilated cardiomyopathy (PMID: 22335739; 31849696; 25589632). Loss-of-function variation in TTN is an established mechanism of disease (PMID: 22335739; 25589632). The c.52524del (p.Lys17508AsnfsTer17) variant is absent from the gnomAD population database and thus is presumed to be rare. Analysis of the parental samples was negative for the variant, indicating this variant likely occurred as a de novo event. Based on the available evidence, the c.52524del (p.Lys17508AsnfsTer17) variant is classified as Pathogenic.

NM_001267550.2(TTN):c.52524del (p.Lys17508fs)

Genes: TTN (titin; minus strand), TTN-AS1 (TTN antisense RNA 1; plus strand), LOC126806425 (BRD4-independent group 4 enhancer GRCh37_chr2:179471933-179473132; plus strand). Cytogenetic location: 2q31.2.
Variant type: Deletion.
Coding change: c.52524del on transcript NM_001267550.2 (MANE Select); coding-DNA position 52524, one base deleted (A; older notation c.52524delA).
Protein change: p.Lys17508fs; shifts the reading frame from lysine 17508.
Molecular consequence: frameshift variant.
Genome position (GRCh38, 1-based): chr2:178,608,359, T deleted on the plus strand (A on the coding strand, the reverse complement: TTN is on the minus strand); the first of 5 consecutive T bases (chr2:178,608,359-178,608,363); deleting any one gives the same sequence. VCF-style (leftmost placement, unchanged base first): chr2-178608358-GT-G. GRCh37 (hg19) VCF-style: chr2-179473085-GT-G.
Other names: c.47601del, p.Lys15867fs (NM_001256850.1); c.25329del, p.Lys8443fs (NM_003319.4); c.44820del, p.Lys14940fs (NM_133378.4); c.25704del, p.Lys8568fs (NM_133432.3); c.25905del, p.Lys8635fs (NM_133437.4); short protein forms K14940fs, K15867fs, K17508fs, K8443fs, K8568fs, K8635fs.
Identifiers: ClinVar variation 2584510 (VCV002584510.1), dbSNP rs2470332409, ClinGen allele CA2582342035.